The following is an entry in ClinVar:

NM_004551.3(NDUFS3):c.766G>C (p.Ala256Pro)

Gene: NDUFS3 (NADH:ubiquinone oxidoreductase core subunit S3; plus strand). Cytogenetic location: 11p11.2.
Variant type: single nucleotide variant.
Coding change: c.766G>C on transcript NM_004551.3 (MANE Select); coding-DNA position 766, G replaced by C.
Protein change: p.Ala256Pro; replaces alanine 256 with proline.
Molecular consequence: missense variant.
Genome position (GRCh38, 1-based): chr11:47,584,452, G>C. VCF-style: chr11-47584452-G-C. GRCh37 (hg19) VCF-style: chr11-47606004-G-C.
Other names: short protein forms A256P.
Identifiers: ClinVar variation 1476921 (VCV001476921.6), dbSNP rs1245477393, ClinGen allele CA380362971.

ClinVar aggregate classification (germline): Uncertain significance (1 of 4 stars; one submission).

Allele frequency attached by ClinVar (database versions not stated): gnomAD exomes 0.00001 and 0.00002.
gnomAD v4.1: 5 of 1,614,156 alleles (0.00031%); highest among the groups gnomAD compares: Admixed American, 0.0083%; no homozygotes.

Submission:

Labcorp Genetics (formerly Invitae), Labcorp
Classification: Uncertain significance. Last evaluated: 2024-11-04. Review status: criteria provided, single submitter. Criteria: Invitae Variant Classification Sherloc (09022015). Collection method: clinical testing. Allele origin: germline.
Comment: This sequence change replaces alanine, which is neutral and non-polar, with proline, which is neutral and non-polar, at codon 256 of the NDUFS3 protein (p.Ala256Pro). This variant is present in population databases (no rsID available, gnomAD 0.01%). This variant has not been reported in the literature in individuals affected with NDUFS3-related conditions. ClinVar contains an entry for this variant (Variation ID: 1476921). An algorithm developed to predict the effect of missense changes on protein structure and function (PolyPhen-2) suggests that this variant is likely to be tolerated. In summary, the available evidence is currently insufficient to determine the role of this variant in disease. Therefore, it has been classified as a Variant of Uncertain Significance.